The following is an entry in ClinVar:

ClinVar aggregate classification (germline): Uncertain significance. Review status: criteria provided, multiple submitters, no conflicts (2 of 4 stars). 2 submissions from 2 submitters: Uncertain significance (2). Last evaluated 2024-01-08.

Conditions:
Tuberous sclerosis 2 (TSC2). Identifiers: Orphanet 805, MedGen C1860707, MONDO:0013199, OMIM 613254.
Lymphangiomyomatosis (LAM). Also called: Lymphangioleiomyomatosis, somatic; Lymphangioleiomyomatosis. Identifiers: Orphanet 538, MedGen C0751674, MONDO:0011705, OMIM 606690.
Isolated focal cortical dysplasia type II (FCORD2). Also called: CORTICAL DYSPLASIA OF TAYLOR; Focal cortical dysplasia type II. Identifiers: Orphanet 268994, MedGen C1846385, MONDO:0011818, OMIM 607341, HP:0032051.

Allele frequency attached by ClinVar (database versions not stated): gnomAD exomes below 0.00001.
gnomAD v4.1: 1 of 1,612,948 alleles (0.000062%); highest among the groups gnomAD compares: East Asian, 0.0022%; no homozygotes.

Submissions (2):

Fulgent Genetics
Classification: Uncertain significance for Lymphangiomyomatosis; Isolated focal cortical dysplasia type II; Tuberous sclerosis 2. Last evaluated: 2024-01-08. Review status: criteria provided, single submitter. Criteria: ACMG Guidelines, 2015. Collection method: clinical testing. Allele origin: germline.

Labcorp Genetics (formerly Invitae), Labcorp
Classification: Uncertain significance for Tuberous sclerosis 2. Last evaluated: 2023-01-16. Review status: criteria provided, single submitter. Criteria: Invitae Variant Classification Sherloc (09022015). Collection method: clinical testing. Allele origin: germline.
Comment: This sequence change replaces histidine, which is basic and polar, with arginine, which is basic and polar, at codon 1244 of the TSC2 protein (p.His1244Arg). This variant is not present in population databases (gnomAD no frequency). In summary, the available evidence is currently insufficient to determine the role of this variant in disease. Therefore, it has been classified as a Variant of Uncertain Significance. Advanced modeling of protein sequence and biophysical properties (such as structural, functional, and spatial information, amino acid conservation, physicochemical variation, residue mobility, and thermodynamic stability) performed at Invitae indicates that this missense variant is not expected to disrupt TSC2 protein function. This variant has not been reported in the literature in individuals affected with TSC2-related conditions.

NM_000548.5(TSC2):c.3731A>G (p.His1244Arg)

Gene: TSC2 (TSC complex subunit 2; plus strand). Cytogenetic location: 16p13.3.
Variant type: single nucleotide variant.
Coding change: c.3731A>G on transcript NM_000548.5 (MANE Select); coding-DNA position 3731, A replaced by G.
Protein change: p.His1244Arg; replaces histidine 1244 with arginine.
Molecular consequence: missense variant. On other transcripts: non-coding transcript variant (5).
Genome position (GRCh38, 1-based): chr16:2,081,715, A>G. VCF-style: chr16-2081715-A-G. GRCh37 (hg19) VCF-style: chr16-2131716-A-G.
Other names: c.3599A>G, p.His1200Arg (NM_001077183.3, NM_001370404.1, NM_001406665.1); c.3731A>G, p.His1244Arg (NM_001114382.3); c.3491A>G, p.His1164Arg (NM_001318827.2); c.3455A>G, p.His1152Arg (NM_001318829.2); c.2999A>G, p.His1000Arg (NM_001318831.2, NM_001406687.1, NM_001406688.1); c.3632A>G, p.His1211Arg (NM_001318832.2); c.3602A>G, p.His1201Arg (NM_001363528.2, NM_001370405.1, NM_021055.3); c.3728A>G, p.His1243Arg (NM_001406663.1, NM_001406664.1); and 18 more; short protein forms H1000R, H1163R, H1194R, H1195R, H1207R, H1230R, H1243R, H1043R.
Identifiers: ClinVar variation 2813557 (VCV002813557.4), dbSNP rs2151483079, ClinGen allele CA394292883.